The following is an entry in ClinVar:

ClinVar aggregate classification (germline): Likely benign (1 of 4 stars; one submission).

gnomAD v4.1: 7 of 1,614,018 alleles (0.00043%); highest among the groups gnomAD compares: South Asian, 0.0022%; no homozygotes.

Submission:

CeGaT Center for Human Genetics Tuebingen
Classification: Likely benign. Last evaluated: 2026-04-01. Review status: criteria provided, single submitter. Criteria: CeGaT Center For Human Genetics Tuebingen Variant Classification Criteria Version 2. Collection method: clinical testing. Allele origin: germline. Affected: yes. Observed: 1 variant allele.
Comment: TMEM43: BP4, BP7

NM_024334.3(TMEM43):c.825C>T (p.Phe275=)

Gene: TMEM43 (transmembrane protein 43; plus strand). Cytogenetic location: 3p25.1.
Variant type: single nucleotide variant.
Coding change: c.825C>T on transcript NM_024334.3 (MANE Select); coding-DNA position 825, C replaced by T.
Protein change: p.Phe275=; no amino-acid change (phenylalanine 275 retained).
Molecular consequence: synonymous variant.
Genome position (GRCh38, 1-based): chr3:14,135,851, C>T. VCF-style: chr3-14135851-C-T. GRCh37 (hg19) VCF-style: chr3-14177351-C-T.
Other names: c.828C>T, p.Phe276= (NM_001407274.1); c.822C>T, p.Phe274= (NM_001407275.1, NM_001407277.1); c.825C>T, p.Phe275= (NM_001407276.1); c.810C>T, p.Phe270= (NM_001407278.1); c.750C>T, p.Phe250= (NM_001407279.1); c.675C>T, p.Phe225= (NM_001407280.1).
Identifiers: ClinVar variation 4874138 (VCV004874138.2).